The following is an entry in ClinVar:

NM_001931.5(DLAT):c.428G>T (p.Cys143Phe)

Gene: DLAT (dihydrolipoamide S-acetyltransferase; plus strand). Cytogenetic location: 11q23.1.
Variant type: single nucleotide variant.
Coding change: c.428G>T on transcript NM_001931.5 (MANE Select); coding-DNA position 428, G replaced by T.
Protein change: p.Cys143Phe; replaces cysteine 143 with phenylalanine.
Molecular consequence: missense variant. On other transcripts: 5 prime UTR variant (1), non-coding transcript variant (1), intron variant (2).
Genome position (GRCh38, 1-based): chr11:112,028,561, G>T. VCF-style: chr11-112028561-G-T. GRCh37 (hg19) VCF-style: chr11-111899285-G-T.
Other names: c.428G>T, p.Cys143Phe (NM_001372031.1, NM_001372032.1, NM_001372033.1 and 3 more transcripts); c.395G>T, p.Cys132Phe (NM_001372034.1); c.302G>T, p.Cys101Phe (NM_001372036.1); c.260G>T, p.Cys87Phe (NM_001372037.1); c.-39G>T (NM_001372042.1); c.381+2262G>T (NM_001372038.1); c.364+2279G>T (NM_001372040.1); short protein forms C101F, C132F, C143F, C87F.
Identifiers: ClinVar variation 2446262 (VCV002446262.1), dbSNP rs2498425313, ClinGen allele CA382600220.

ClinVar aggregate classification (germline): Uncertain significance (1 of 4 stars; one submission).

Submission:

GeneDx
Classification: Uncertain significance. Last evaluated: 2022-09-22. Review status: criteria provided, single submitter. Criteria: GeneDx Variant Classification Process June 2021. Collection method: clinical testing. Allele origin: germline. Affected: yes.
Comment: Not observed at significant frequency in large population cohorts (gnomAD); In silico analysis supports that this missense variant does not alter protein structure/function; Has not been previously published as pathogenic or benign to our knowledge